The following is an entry in ClinVar:

ClinVar aggregate classification (germline): Uncertain significance (1 of 4 stars; one submission).

Conditions:
Inborn genetic diseases. Identifiers: MedGen C0950123, MeSH D030342.

Submission:

Ambry Genetics
Classification: Uncertain significance for Inborn genetic diseases. Last evaluated: 2025-09-27. Review status: criteria provided, single submitter. Criteria: Ambry Variant Classification Scheme 2023. Collection method: clinical testing. Allele origin: germline.
Comment: The p.I634M variant (also known as c.1902C>G), located in coding exon 15 of the DNMT3A gene, results from a C to G substitution at nucleotide position 1902. The isoleucine at codon 634 is replaced by methionine, an amino acid with highly similar properties. This amino acid position is conserved. In addition, the in silico prediction for this alteration is inconclusive. Based on the available evidence, the clinical significance of this variant remains unclear.

NM_022552.5(DNMT3A):c.1902C>G (p.Ile634Met)

Gene: DNMT3A (DNA methyltransferase 3 alpha; minus strand). Cytogenetic location: 2p23.3.
Variant type: single nucleotide variant.
Coding change: c.1902C>G on transcript NM_022552.5 (MANE Select); coding-DNA position 1902, C replaced by G.
Protein change: p.Ile634Met; replaces isoleucine 634 with methionine.
Molecular consequence: missense variant. On other transcripts: non-coding transcript variant (1).
Genome position (GRCh38, 1-based): chr2:25,243,932, G>C on the plus strand (C>G on the coding strand, the complement: DNMT3A is on the minus strand). VCF-style: chr2-25243932-G-C. GRCh37 (hg19) VCF-style: chr2-25466801-G-C.
Other names: c.1446C>G, p.Ile482Met (NM_001320893.1); c.1233C>G, p.Ile411Met (NM_001375819.1); c.1335C>G, p.Ile445Met (NM_153759.3); c.1902C>G, p.Ile634Met (NM_175629.2); short protein forms I445M, I482M, I411M, I634M.
Identifiers: ClinVar variation 4617745 (VCV004617745.1).
Genomic context (GRCh38, chr2:25,243,932, plus strand): 5'-GCACCTCTTGGGCCTGCACCCCTCACCTGTAGCGATTCCATCAAAGAGAGACAGCACCCG[G>C]ATGGGCTTCCTCTTCTCAGCTGGGACAGGTGGGTAAACCTTTGGAGGGTCCTAAGCAGTG-3'
Protein context (NP_072046.2, residues 624-644): PPVPAEKRKP[Ile634Met]RVLSLFDGIA